The following is an entry in ClinVar:

NM_015021.3(ZNF292):c.1066G>A (p.Ala356Thr)

Gene: ZNF292 (zinc finger protein 292; plus strand). Cytogenetic location: 6q14.3.
Variant type: single nucleotide variant.
Coding change: c.1066G>A on transcript NM_015021.3 (MANE Select); coding-DNA position 1066, G replaced by A.
Protein change: p.Ala356Thr; replaces alanine 356 with threonine.
Molecular consequence: missense variant.
Genome position (GRCh38, 1-based): chr6:87,254,695, G>A. VCF-style: chr6-87254695-G-A. GRCh37 (hg19) VCF-style: chr6-87964413-G-A.
Other names: c.646G>A, p.Ala216Thr (NM_001351444.2); short protein forms A356T, A216T.
Identifiers: ClinVar variation 2698370 (VCV002698370.3), dbSNP rs976963327, ClinGen allele CA364908025.

ClinVar aggregate classification (germline): Uncertain significance (1 of 4 stars; one submission).

Submission:

Labcorp Genetics (formerly Invitae), Labcorp
Classification: Uncertain significance. Last evaluated: 2023-11-24. Review status: criteria provided, single submitter. Criteria: Invitae Variant Classification Sherloc (09022015). Collection method: clinical testing. Allele origin: germline.
Comment: This sequence change replaces alanine, which is neutral and non-polar, with threonine, which is neutral and polar, at codon 356 of the ZNF292 protein (p.Ala356Thr). This variant is not present in population databases (gnomAD no frequency). This variant has not been reported in the literature in individuals affected with ZNF292-related conditions. Advanced modeling of protein sequence and biophysical properties (such as structural, functional, and spatial information, amino acid conservation, physicochemical variation, residue mobility, and thermodynamic stability) has been performed at Invitae for this missense variant, however the output from this modeling did not meet the statistical confidence thresholds required to predict the impact of this variant on ZNF292 protein function. In summary, the available evidence is currently insufficient to determine the role of this variant in disease. Therefore, it has been classified as a Variant of Uncertain Significance.